The following is an entry in ClinVar:

ClinVar aggregate classification (germline): Uncertain significance (1 of 4 stars; one submission).

gnomAD v4.1: 5 of 1,610,700 alleles (0.00031%); highest among the groups gnomAD compares: Non-Finnish European, 0.00042%; no homozygotes.

Submission:

Ambry Genetics
Classification: Uncertain significance. Last evaluated: 2025-02-21. Review status: criteria provided, single submitter. Criteria: Ambry Variant Classification Scheme 2023. Collection method: clinical testing. Allele origin: germline.
Comment: The p.A223T variant (also known as c.667G>A), located in coding exon 7 of the SRP72 gene, results from a G to A substitution at nucleotide position 667. The alanine at codon 223 is replaced by threonine, an amino acid with similar properties. This amino acid position is conserved. In addition, the in silico prediction for this alteration is inconclusive. Based on the available evidence, the clinical significance of this variant remains unclear.

NM_006947.4(SRP72):c.667G>A (p.Ala223Thr)

Gene: SRP72 (signal recognition particle 72; plus strand). Cytogenetic location: 4q12.
Variant type: single nucleotide variant.
Coding change: c.667G>A on transcript NM_006947.4 (MANE Select); coding-DNA position 667, G replaced by A.
Protein change: p.Ala223Thr; replaces alanine 223 with threonine.
Molecular consequence: missense variant. On other transcripts: non-coding transcript variant (1), intron variant (1).
Genome position (GRCh38, 1-based): chr4:56,478,403, G>A. VCF-style: chr4-56478403-G-A. GRCh37 (hg19) VCF-style: chr4-57344569-G-A.
Other names: c.642+1701G>A (NM_001267722.2); short protein forms A223T.
Identifiers: ClinVar variation 3801500 (VCV003801500.1).